The following is an entry in ClinVar:

ClinVar aggregate classification (germline): Uncertain significance (1 of 4 stars; one submission).

Conditions:
Hereditary spastic paraplegia 64. Also called: Spastic paraplegia 64, autosomal recessive; ENTPD1-Related Neurodevelopmental Disorder. Identifiers: Orphanet 401810, MedGen C3810289, MONDO:0014303, OMIM 615683.

Allele frequency attached by ClinVar (database versions not stated): gnomAD exomes below 0.00001; TOPMed below 0.00001; gnomAD 0.00001.
gnomAD v4.1: 2 of 1,613,814 alleles (0.00012%); highest among the groups gnomAD compares: South Asian, 0.0011%; no homozygotes.

Submission:

Labcorp Genetics (formerly Invitae), Labcorp
Classification: Uncertain significance for Hereditary spastic paraplegia 64. Last evaluated: 2022-04-09. Review status: criteria provided, single submitter. Criteria: Invitae Variant Classification Sherloc (09022015). Collection method: clinical testing. Allele origin: germline.
Comment: In summary, the available evidence is currently insufficient to determine the role of this variant in disease. Therefore, it has been classified as a Variant of Uncertain Significance. Algorithms developed to predict the effect of sequence changes on RNA splicing suggest that this variant may disrupt the consensus splice site. This variant has not been reported in the literature in individuals affected with ENTPD1-related conditions. This variant is not present in population databases (gnomAD no frequency). This sequence change affects codon 133 of the ENTPD1 mRNA. It is a 'silent' change, meaning that it does not change the encoded amino acid sequence of the ENTPD1 protein.

NM_001776.6(ENTPD1):c.399C>T (p.Gly133=)

Genes: ENTPD1 (ectonucleoside triphosphate diphosphohydrolase 1; plus strand), ENTPD1-AS1 (ENTPD1 antisense RNA 1; minus strand). Cytogenetic location: 10q24.1.
Variant type: single nucleotide variant.
Coding change: c.399C>T on transcript NM_001776.6 (MANE Select); coding-DNA position 399, C replaced by T.
Protein change: p.Gly133=; no amino-acid change (glycine 133 retained).
Molecular consequence: synonymous variant. On other transcripts: intron variant (2).
Genome position (GRCh38, 1-based): chr10:95,842,480, C>T. VCF-style: chr10-95842480-C-T. GRCh37 (hg19) VCF-style: chr10-97602237-C-T.
Other names: c.420C>T, p.Gly140= (NM_001098175.2); c.435C>T, p.Gly145= (NM_001164178.1, NM_001320916.1); c.399C>T, p.Gly133= (NM_001164179.2); c.75C>T, p.Gly25= (NM_001164181.1, NM_001312654.1); c.-1-1996C>T (NM_001164182.2, NM_001164183.2).
Identifiers: ClinVar variation 2153312 (VCV002153312.4), dbSNP rs1409562851, ClinGen allele CA471196937.
Genomic context (GRCh38, chr10:95,842,480, plus strand): 5'-GGAAGTGATTCCAAGGTCCCAGCACCAAGAGACACCCGTTTACCTGGGAGCCACGGCAGG[C>T]ATGCGGTTGCTCAGGTATAGCAGCATGTAGGGACCAAGAGTATCTGGGAGTTAGGCTTGG-3'
Protein context (NP_001767.3, residues 123-143): ETPVYLGATA[Gly133=]MRLLRMESEE